The following is an entry in ClinVar:

ClinVar aggregate classification (germline): Uncertain significance (1 of 4 stars; one submission).

Conditions:
Bardet-Biedl syndrome (BBS). Identifiers: Orphanet 110, MedGen C0752166, MONDO:0015229.

Submission:

Labcorp Genetics (formerly Invitae), Labcorp
Classification: Uncertain significance for Bardet-Biedl syndrome. Last evaluated: 2022-03-20. Review status: criteria provided, single submitter. Criteria: Invitae Variant Classification Sherloc (09022015). Collection method: clinical testing. Allele origin: germline.
Comment: Algorithms developed to predict the effect of missense changes on protein structure and function are either unavailable or do not agree on the potential impact of this missense change (SIFT: "Deleterious"; PolyPhen-2: "Probably Damaging"; Align-GVGD: "Class C15"). Algorithms developed to predict the effect of sequence changes on RNA splicing suggest that this variant may disrupt the consensus splice site. In summary, the available evidence is currently insufficient to determine the role of this variant in disease. Therefore, it has been classified as a Variant of Uncertain Significance. This sequence change replaces glycine, which is neutral and non-polar, with valine, which is neutral and non-polar, at codon 672 of the BBS7 protein (p.Gly672Val). This variant is not present in population databases (gnomAD no frequency). This variant has not been reported in the literature in individuals affected with BBS7-related conditions.

NM_176824.3(BBS7):c.2015G>T (p.Gly672Val)

Gene: BBS7 (Bardet-Biedl syndrome 7; minus strand). Cytogenetic location: 4q27.
Variant type: single nucleotide variant.
Coding change: c.2015G>T on transcript NM_176824.3 (MANE Select); coding-DNA position 2015, G replaced by T.
Protein change: p.Gly672Val; replaces glycine 672 with valine.
Molecular consequence: missense variant.
Genome position (GRCh38, 1-based): chr4:121,825,993, C>A on the plus strand (G>T on the coding strand, the complement: BBS7 is on the minus strand). VCF-style: chr4-121825993-C-A. GRCh37 (hg19) VCF-style: chr4-122747148-C-A.
Other names: short protein forms G672V.
Identifiers: ClinVar variation 2183764 (VCV002183764.4), dbSNP rs2476795010, ClinGen allele CA358053998.
Genomic context (GRCh38, chr4:121,825,993, plus strand): 5'-TTAGTTTTTACATTGGTGCCTTTAAACTTAAATTTATCTATGAAAAGATCAGTGATCATG[C>A]CTTTAAAGAAAAAACATAAATTTCCTGTCAGTGATTAGTTATATTTAATGACACAGTATT-3'
Protein context (NP_789794.1, residues 662-682): KQPAHLERLY[Gly672Val]MITDLFIDKF